The following is an entry in ClinVar:

ClinVar aggregate classification (germline): Conflicting classifications of pathogenicity. Review status: criteria provided, conflicting classifications (1 of 4 stars). 9 submissions from 9 submitters: Pathogenic (5); Likely pathogenic (3); Uncertain significance (1). Last evaluated 2024-12-07.

Conditions:
Neurodevelopmental disorder. Identifiers: MedGen C1535926, MeSH D065886, MONDO:0700092.
Houge-Janssens syndrome 1. Also called: INTELLECTUAL DEVELOPMENTAL DISORDER, AUTOSOMAL DOMINANT 35; Intellectual disability-macrocephaly-hypotonia-behavioral abnormalities syndrome; Hogue-Janssens syndrome 1; PPP2R5D-Related Neurodevelopmental Disorder. Identifiers: Orphanet 457279, MedGen C5779996, MONDO:0014602, OMIM 616355.
Inborn genetic diseases. Identifiers: MedGen C0950123, MeSH D030342.

Submissions (9):

Labcorp Genetics (formerly Invitae), Labcorp
Classification: Uncertain significance. Last evaluated: 2024-12-07. Review status: criteria provided, single submitter. Criteria: Invitae Variant Classification Sherloc (09022015). Collection method: clinical testing. Allele origin: germline.
Comment: This sequence change replaces aspartic acid, which is acidic and polar, with tyrosine, which is neutral and polar, at codon 251 of the PPP2R5D protein (p.Asp251Tyr). This variant is not present in population databases (gnomAD no frequency). This missense change has been observed in individual(s) with PPP2R5D-related conditions (PMID: 36216457). ClinVar contains an entry for this variant (Variation ID: 985406). An algorithm developed to predict the effect of missense changes on protein structure and function (PolyPhen-2) suggests that this variant is likely to be disruptive. Experimental studies have shown that this missense change affects PPP2R5D function (PMID: 36216457). This variant disrupts the p.Asp251 amino acid residue in PPP2R5D. Other variant(s) that disrupt this residue have been determined to be pathogenic (PMID: 28867141, 31785789, 32371413). This suggests that this residue is clinically significant, and that variants that disrupt this residue are likely to be disease-causing. In summary, the available evidence is currently insufficient to determine the role of this variant in disease. Therefore, it has been classified as a Variant of Uncertain Significance.

GeneDx
Classification: Pathogenic. Last evaluated: 2024-04-29. Review status: criteria provided, single submitter. Criteria: GeneDx Variant Classification Process June 2021. Collection method: clinical testing. Allele origin: germline. Affected: yes.
Comment: Published functional studies demonstrate a damaging effect (PMID: 36216457); Not observed in large population cohorts (gnomAD); In silico analysis supports that this missense variant has a deleterious effect on protein structure/function; This variant is associated with the following publications: (PMID: 36216457)

Institute of Human Genetics Munich, TUM University Hospital
Classification: Pathogenic for Houge-Janssens syndrome 1. Last evaluated: 2023-09-26. Review status: criteria provided, single submitter. Criteria: Classification criteria August 2017. Collection method: clinical testing. Allele origin: de novo. Inheritance: Autosomal dominant inheritance. Affected: yes. Observed: 1 variant allele.

Center for Molecular Medicine, Children’s Hospital of Fudan University
Classification: Pathogenic for Houge-Janssens syndrome 1. Last evaluated: 2023-09-05. Review status: criteria provided, single submitter. Criteria: ACMG Guidelines, 2015. Collection method: clinical testing. Allele origin: de novo. Affected: yes.

Victorian Clinical Genetics Services, Murdoch Childrens Research Institute
Classification: Pathogenic for Houge-Janssens syndrome 1. Last evaluated: 2023-07-16. Review status: criteria provided, single submitter. Criteria: ACMG Guidelines, 2015. Collection method: clinical testing. Allele origin: germline. Inheritance: Autosomal dominant inheritance. Affected: yes.
Comment: Based on the classification scheme VCGS_Germline_v1.3.4, this variant is classified as Pathogenic. Following criteria are met: 0105 - The mechanism of disease for this gene is not clearly established. While loss of function was demonstrated, the possibility of dominant negative has not been excluded and is also a proposed mechanism (PMID: 32074998, 26168268). (I) 0107 - This gene is associated with autosomal dominant disease. (I) 0200 - Variant is predicted to result in a missense amino acid change from aspartic acid to tyrosine. (I) 0251 - This variant is heterozygous. (I) 0301 - Variant is absent from gnomAD (both v2 and v3). (SP) 0501 - Missense variant consistently predicted to be damaging by multiple in silico tools or highly conserved with a major amino acid change. (SP) 0603 - Missense variant in a region that is highly intolerant to missense variation (high constraint region in DECIPHER). (SP) 0702 - Other missense variants comparable to the one identified in this case have strong previous evidence for pathogenicity. Many alternative changes to alanine, valine and asparagine have been reported multiple times as likely pathogenic and pathogenic in ClinVar, including one de novo individual from VCGS. (SP) 0802 - This variant has moderate previous evidence of pathogenicity in unrelated individuals. This variant has been reported multiple times as likely pathogenic and pathogenic, including one de novo individual (ClinVar). (SP) 0905 - No published segregation evidence has been identified for this variant. (I) 1007 - No published functional evidence has been identified for this variant. (SP) Legend: (SP) - Supporting pathogenic, (I) - Information, (SB) - Supporting benign

MGZ Medical Genetics Center
Classification: Likely pathogenic for Houge-Janssens syndrome 1. Last evaluated: 2021-11-10. Review status: criteria provided, single submitter. Criteria: ACMG Guidelines, 2015. Collection method: clinical testing. Allele origin: germline. Affected: yes. Observed: 1 variant allele.
Comment: ACMG criteria applied: PS2_MOD, PM1, PM2_SUP, PP2

Laboratory of Molecular Genetics (Pr. Bezieau's lab), CHU de Nantes
Classification: Pathogenic for Neurodevelopmental disorder. Last evaluated: 2021-08-31. Review status: criteria provided, single submitter. Criteria: ACMG Guidelines, 2015. Collection method: clinical testing. Allele origin: germline. Affected: yes.

Department of Clinical Genetics, Copenhagen University Hospital, Rigshospitalet
Classification: Likely pathogenic for Houge-Janssens syndrome 1. Last evaluated: 2021-08-01. Review status: criteria provided, single submitter. Criteria: ACMG Guidelines, 2015. Collection method: clinical testing. Allele origin: de novo. Affected: yes.

Ambry Genetics
Classification: Likely pathogenic for Inborn genetic diseases. Last evaluated: 2019-10-03. Review status: criteria provided, single submitter. Criteria: Ambry exome assertion method (8-5-2015). Collection method: clinical testing. Allele origin: germline. Affected: yes. Observed: 1 variant allele.

Literature cited by the submitters: PubMed 36216457 (cited by Labcorp Genetics (formerly Invitae), Labcorp); PubMed 28867141 (cited by Labcorp Genetics (formerly Invitae), Labcorp); PubMed 31785789 (cited by Labcorp Genetics (formerly Invitae), Labcorp); PubMed 32371413 (cited by Labcorp Genetics (formerly Invitae), Labcorp); PubMed 26168268 (cited by Victorian Clinical Genetics Services, Murdoch Childrens Research Institute); PubMed 32074998 (cited by Victorian Clinical Genetics Services, Murdoch Childrens Research Institute); PubMed 27350047 (cited by Ambry Genetics).

NM_006245.4(PPP2R5D):c.751G>T (p.Asp251Tyr)

Gene: PPP2R5D (protein phosphatase 2 regulatory subunit B'delta; plus strand). Cytogenetic location: 6p21.1.
Variant type: single nucleotide variant.
Coding change: c.751G>T on transcript NM_006245.4 (MANE Select); coding-DNA position 751, G replaced by T.
Protein change: p.Asp251Tyr; replaces aspartic acid 251 with tyrosine.
Molecular consequence: missense variant.
Genome position (GRCh38, 1-based): chr6:43,007,959, G>T. VCF-style: chr6-43007959-G-T. GRCh37 (hg19) VCF-style: chr6-42975697-G-T.
Other names: c.298G>T, p.Asp100Tyr (NM_001270476.2); c.655G>T, p.Asp219Tyr (NM_180976.3); c.433G>T, p.Asp145Tyr (NM_180977.3); short protein forms D100Y, D145Y, D219Y, D251Y.
Identifiers: ClinVar variation 985406 (VCV000985406.21), dbSNP rs1762178916, ClinGen allele CA364189058.
Genomic context (GRCh38, chr6:43,007,959, plus strand): 5'-GCCTCACTGGCTGCTTTCCCTCCCTTGTACCCCCAGCTCCTAGACCTATTTGACAGTGAG[G>T]ATCCTCGAGAGCGGGACTTCCTCAAGACCATTTTGCATCGCATCTATGGCAAGTTTTTGG-3'
Protein context (NP_006236.1, residues 241-261): LALLDLFDSE[Asp251Tyr]PRERDFLKTI